The following is an entry in ClinVar:

NM_001039213.4(CEACAM16):c.478G>A (p.Ala160Thr)

Genes: CEACAM16 (CEA cell adhesion molecule 16, tectorial membrane component; plus strand), CEACAM16-AS1 (CEACAM16, CEACAM19 and PVR antisense RNA 1; minus strand). Cytogenetic location: 19q13.32.
Variant type: single nucleotide variant.
Coding change: c.478G>A on transcript NM_001039213.4 (MANE Select); coding-DNA position 478, G replaced by A.
Protein change: p.Ala160Thr; replaces alanine 160 with threonine.
Molecular consequence: missense variant.
Genome position (GRCh38, 1-based): chr19:44,704,113, G>A. VCF-style: chr19-44704113-G-A. GRCh37 (hg19) VCF-style: chr19-45207383-G-A.
Other names: c.478G>A (NM_001039213.3); short protein forms A160T.
Identifiers: ClinVar variation 2965934 (VCV002965934.4), dbSNP rs753704474, ClinGen allele CA9503064.
Genomic context (GRCh38, chr19:44,704,113, plus strand): 5'-ACAGCGCTGGTGGAACGTCGAGACACCCTGCGCCTTATGTGCAGCAGCCCCAGCCCCACC[G>A]CCGAGGTCCGCTGGTTCTTCAACGGTGGGGCCCTGCCCGTCGCTCTCCGCCTGGGCCTGT-3'
Protein context (NP_001034302.2, residues 150-170): RLMCSSPSPT[Ala160Thr]EVRWFFNGGA

ClinVar aggregate classification (germline): Conflicting classifications of pathogenicity. Review status: criteria provided, conflicting classifications (1 of 4 stars). 2 submissions from 2 submitters: Uncertain significance (1); Likely benign (1). Last evaluated 2026-02-13.

Conditions:
CEACAM16-related disorder. Also called: CEACAM16-related condition.

Allele frequency attached by ClinVar (database versions not stated): TOPMed 0.00001; gnomAD 0.00005; gnomAD exomes 0.00011; ExAC 0.00038.
gnomAD v4.1: 163 of 1,599,776 alleles (0.01%); highest among the groups gnomAD compares: South Asian, 0.16%; 1 homozygote.

Submissions (2):

PreventionGenetics, part of Exact Sciences
Classification: Likely benign for CEACAM16-related condition. Last evaluated: 2026-02-13. Review status: criteria provided, single submitter. Criteria: ACMG Guidelines, 2015. Collection method: clinical testing. Allele origin: germline.
Comment: This variant is classified as likely benign based on ACMG/AMP sequence variant interpretation guidelines (Richards et al. 2015 PMID: 25741868, with internal and published modifications).

Labcorp Genetics (formerly Invitae), Labcorp
Classification: Uncertain significance. Last evaluated: 2025-07-22. Review status: criteria provided, single submitter. Criteria: Invitae Variant Classification Sherloc (09022015). Collection method: clinical testing. Allele origin: germline.
Comment: This sequence change replaces alanine, which is neutral and non-polar, with threonine, which is neutral and polar, at codon 160 of the CEACAM16 protein (p.Ala160Thr). This variant is present in population databases (rs753704474, gnomAD 0.2%). This variant has not been reported in the literature in individuals affected with CEACAM16-related conditions. ClinVar contains an entry for this variant (Variation ID: 2965934). Invitae Evidence Modeling of protein sequence and biophysical properties (such as structural, functional, and spatial information, amino acid conservation, physicochemical variation, residue mobility, and thermodynamic stability) indicates that this missense variant is not expected to disrupt CEACAM16 protein function with a negative predictive value of 80%. In summary, the available evidence is currently insufficient to determine the role of this variant in disease. Therefore, it has been classified as a Variant of Uncertain Significance.